The following is an entry in ClinVar:

NM_182931.3(KMT2E):c.4295T>G (p.Leu1432Arg)

Gene: KMT2E (lysine methyltransferase 2E (inactive); plus strand). Cytogenetic location: 7q22.3.
Variant type: single nucleotide variant.
Coding change: c.4295T>G on transcript NM_182931.3 (MANE Select); coding-DNA position 4295, T replaced by G.
Protein change: p.Leu1432Arg; replaces leucine 1432 with arginine.
Molecular consequence: missense variant.
Genome position (GRCh38, 1-based): chr7:105,112,051, T>G. VCF-style: chr7-105112051-T-G. GRCh37 (hg19) VCF-style: chr7-104752498-T-G.
Other names: c.4169T>G, p.Leu1390Arg (NM_001410908.1); c.4295T>G, p.Leu1432Arg (NM_018682.4); short protein forms L1390R, L1432R.
Identifiers: ClinVar variation 4528178 (VCV004528178.1).

ClinVar aggregate classification (germline): Uncertain significance (1 of 4 stars; one submission).

Submission:

GeneDx
Classification: Uncertain significance. Last evaluated: 2025-05-08. Review status: criteria provided, single submitter. Criteria: GeneDx Variant Classification Process June 2021. Collection method: clinical testing. Allele origin: germline. Affected: yes.
Comment: Not observed at significant frequency in large population cohorts (gnomAD); In silico analysis suggests that this missense variant does not alter protein structure/function; Has not been previously published as pathogenic or benign to our knowledge